The following is an entry in ClinVar:

NM_001395513.1(TMPRSS9):c.1833G>C (p.Arg611=)

Gene: TMPRSS9 (transmembrane serine protease 9; plus strand). Cytogenetic location: 19p13.3.
Variant type: single nucleotide variant.
Coding change: c.1833G>C on transcript NM_001395513.1 (MANE Select); coding-DNA position 1833, G replaced by C.
Protein change: p.Arg611=; no amino-acid change (arginine 611 retained).
Molecular consequence: synonymous variant.
Genome position (GRCh38, 1-based): chr19:2,416,625, G>C. VCF-style: chr19-2416625-G-C. GRCh37 (hg19) VCF-style: chr19-2416623-G-C.
Other names: c.1137G>C, p.Arg379= (NM_001385642.1); c.1731G>C, p.Arg577= (NM_182973.3).
Identifiers: ClinVar variation 3390235 (VCV003390235.14).

ClinVar aggregate classification (germline): Likely benign (1 of 4 stars; one submission).

Submission:

CeGaT Center for Human Genetics Tuebingen
Classification: Likely benign. Last evaluated: 2024-11-01. Review status: criteria provided, single submitter. Criteria: CeGaT Center For Human Genetics Tuebingen Variant Classification Criteria Version 2. Collection method: clinical testing. Allele origin: germline. Affected: yes. Observed: 1 variant allele.
Comment: TMPRSS9: PM2:Supporting, BP4, BP7